The following is an entry in ClinVar:

NM_031935.3(HMCN1):c.*422A>C

Gene: HMCN1 (hemicentin 1; plus strand). Cytogenetic location: 1q31.1.
Variant type: single nucleotide variant.
Coding change: c.*422A>C on transcript NM_031935.3 (MANE Select); 422 bases downstream of the stop codon, A replaced by C.
Molecular consequence: 3 prime UTR variant.
Genome position (GRCh38, 1-based): chr1:186,190,300, A>C. VCF-style: chr1-186190300-A-C. GRCh37 (hg19) VCF-style: chr1-186159432-A-C.
Identifiers: ClinVar variation 294321 (VCV000294321.5), dbSNP rs145533442, ClinGen allele CA10609175.

ClinVar aggregate classification (germline): Likely benign (1 of 4 stars; one submission).

Conditions:
Age related macular degeneration 1 (ARMD1). Also called: MACULOPATHY, AGE-RELATED, 1. Identifiers: MedGen C1864205, MONDO:0011285, OMIM 603075.

Allele frequency attached by ClinVar (database versions not stated): gnomAD exomes 0.00084; gnomAD 0.00689 and 0.00637; 1000 Genomes Project 30x 0.00703; TOPMed 0.00739; 1000 Genomes Project 0.00759.
gnomAD v4.1: 1,019 of 222,950 alleles (0.46%); highest among the groups gnomAD compares: African/African-American, 2.1%; 11 homozygotes.

Submission:

Illumina Laboratory Services, Illumina
Classification: Likely benign for Age related macular degeneration 1. Last evaluated: 2017-04-27. Review status: criteria provided, single submitter. Criteria: ICSL Variant Classification Criteria 13 December 2019. Collection method: clinical testing. Allele origin: germline.
Comment: This variant was observed as part of a predisposition screen in an ostensibly healthy population. A literature search was performed for the gene, cDNA change, and amino acid change (where applicable). No publications were found based on this search. Allele frequency data from public databases allowed determination this variant is unlikely to cause disease. Therefore, this variant is classified as likely benign.